The following is an entry in ClinVar:

ClinVar aggregate classification (germline): Likely benign. Review status: criteria provided, single submitter (1 of 4 stars). 2 submissions from 2 submitters: Likely benign (1). 1 of the submissions does not count toward it. Last evaluated 2018-07-04.

Conditions:
STAG3-related disorder. Also called: STAG3-related condition.

Submissions (2):

Labcorp Genetics (formerly Invitae), Labcorp
Classification: Likely benign. Last evaluated: 2018-07-04. Review status: criteria provided, single submitter. Criteria: Invitae Variant Classification Sherloc (09022015). Collection method: clinical testing. Allele origin: germline.

PreventionGenetics, part of Exact Sciences
Classification: Likely benign for STAG3-related condition. Last evaluated: 2019-04-26. Review status: no assertion criteria provided. Collection method: clinical testing. Allele origin: germline. Not counted in ClinVar's aggregate classification.
Comment: This variant is classified as likely benign based on ACMG/AMP sequence variant interpretation guidelines (Richards et al. 2015 PMID: 25741868, with internal and published modifications).

NM_001282717.2(STAG3):c.3306C>A (p.Ile1102=)

Gene: STAG3 (STAG3 cohesin complex component; plus strand). Cytogenetic location: 7q22.1.
Variant type: single nucleotide variant.
Coding change: c.3306C>A on transcript NM_001282717.2 (MANE Select); coding-DNA position 3306, C replaced by A.
Protein change: p.Ile1102=; no amino-acid change (isoleucine 1102 retained).
Molecular consequence: synonymous variant. On other transcripts: non-coding transcript variant (1).
Genome position (GRCh38, 1-based): chr7:100,211,078, C>A. VCF-style: chr7-100211078-C-A. GRCh37 (hg19) VCF-style: chr7-99808701-C-A.
Other names: c.3306C>A, p.Ile1102= (NM_001282716.1, NM_001375438.1, NM_012447.4); c.3132C>A, p.Ile1044= (NM_001282718.2).
Identifiers: ClinVar variation 727888 (VCV000727888.5), dbSNP rs1584783054, ClinGen allele CA456701432.
Genomic context (GRCh38, chr7:100,211,078, plus strand): 5'-CAAGCCTAACAGAGAGGACGTCTCCTCGTCCCAGGAAGAAAGTCTGCAGCTGAACAGCAT[C>A]CCGCCCACGCCCACCCTCACCTCCACAGCTGTGAAGAGCAGGCAGCCCCTGTGGGGGTTG-3'
Protein context (NP_001269646.1, residues 1092-1112): SQEESLQLNS[Ile1102=]PPTPTLTSTA